The following is an entry in ClinVar:

ClinVar aggregate classification (germline): Uncertain significance. Review status: criteria provided, multiple submitters, no conflicts (2 of 4 stars). 2 submissions from 2 submitters: Uncertain significance (2). Last evaluated 2026-08-22.

Conditions:
Hypertrophic cardiomyopathy. Also called: HYPERTROPHIC MYOCARDIOPATHY. Identifiers: Orphanet 217569, MedGen C0007194, MeSH D002312, MONDO:0005045, HP:0001639.
Cardiovascular phenotype. Identifiers: MedGen CN230736.

Submissions (2):

Ambry Genetics
Classification: Uncertain significance for Cardiovascular phenotype. Last evaluated: 2026-08-22. Review status: criteria provided, single submitter. Criteria: Ambry Variant Classification Scheme 2023. Collection method: clinical testing. Allele origin: germline.
Comment: The p.G73A variant (also known as c.218G>C), located in coding exon 5 of the TNNI3 gene, results from a G to C substitution at nucleotide position 218. The glycine at codon 73 is replaced by alanine, an amino acid with similar properties. This amino acid position is conserved. In addition, the in silico prediction for this alteration is inconclusive. Based on the available evidence, the clinical significance of this variant remains unclear.

All of Us Research Program, National Institutes of Health
Classification: Uncertain significance for Hypertrophic cardiomyopathy. Last evaluated: 2024-03-05. Review status: criteria provided, single submitter. Criteria: ACMG Guidelines, 2015. Collection method: clinical testing. Allele origin: germline. Inheritance: Autosomal dominant inheritance. Observed: 1 variant allele, 1 heterozygote.
Comment: This study involves interpretation of variants in research participants for the purpose of population health screening. Participant phenotype was not available at the time of variant classification. Additional details can be found in publication PMID: 35346344, PMCID: PMC8962531

NM_000363.5(TNNI3):c.218G>C (p.Gly73Ala)

Gene: TNNI3 (troponin I3, cardiac type; minus strand). Cytogenetic location: 19q13.42.
Variant type: single nucleotide variant.
Coding change: c.218G>C on transcript NM_000363.5 (MANE Select); coding-DNA position 218, G replaced by C.
Protein change: p.Gly73Ala; replaces glycine 73 with alanine.
Molecular consequence: missense variant.
Genome position (GRCh38, 1-based): chr19:55,156,265, C>G on the plus strand (G>C on the coding strand, the complement: TNNI3 is on the minus strand). VCF-style: chr19-55156265-C-G. GRCh37 (hg19) VCF-style: chr19-55667633-C-G.
Other names: short protein forms G73A.
Identifiers: ClinVar variation 3386101 (VCV003386101.2).
Genomic context (GRCh38, chr19:55,156,265, plus strand): 5'-AGCTCCGCGAAGCCCAGCCCGGCCAACTCCAGCGGCTGGCAGCGGGTGCTCAGAGCGCGC[C>G]CCTTCTCTCCGCGCCGCTCCTCCGCCTCTCGCTCCAGCTCTTGCTTTGCAATCTGCAGCA-3'
Protein context (NP_000354.4, residues 63-83): REAEERRGEK[Gly73Ala]RALSTRCQPL